The following is an entry in ClinVar:

ClinVar aggregate classification (germline): Pathogenic (1 of 4 stars; one submission).

Submission:

Labcorp Genetics (formerly Invitae), Labcorp
Classification: Pathogenic. Last evaluated: 2022-02-18. Review status: criteria provided, single submitter. Criteria: Invitae Variant Classification Sherloc (09022015). Collection method: clinical testing. Allele origin: germline.
Comment: This variant results in a copy number gain of the genomic region encompassing exon(s) 29 of the EYS gene. While the exact position of this variant cannot be determined from the data, sub-genic copy number gains are generally in tandem (PMID: 25640679). This variant is predicted to be out-of-frame, and may result in an absent or disrupted protein product. Loss-of-function variants in EYS are known to be pathogenic (PMID: 18836446, 20333770). A similar copy number variant has been observed in individuals with retinitis pigmentosa (PMID: 30543658). For these reasons, this variant has been classified as Pathogenic.

Literature cited by the submitters: PubMed 25640679; PubMed 18836446; PubMed 20333770; PubMed 30543658.

NC_000006.11:g.(?_65098563)_(65098753_?)dup

Gene: EYS (eyes shut homolog; minus strand). Cytogenetic location: 6q12.
Variant type: Duplication.
Identifiers: ClinVar variation 2423874 (VCV002423874.3).